The following is an entry in ClinVar:

NM_000890.5(KCNJ5):c.10G>A (p.Asp4Asn)

Gene: KCNJ5 (potassium inwardly rectifying channel subfamily J member 5; plus strand). Cytogenetic location: 11q24.3.
Variant type: single nucleotide variant.
Coding change: c.10G>A on transcript NM_000890.5 (MANE Select); coding-DNA position 10, G replaced by A.
Protein change: p.Asp4Asn; replaces aspartic acid 4 with asparagine.
Molecular consequence: missense variant.
Genome position (GRCh38, 1-based): chr11:128,911,283, G>A. VCF-style: chr11-128911283-G-A. GRCh37 (hg19) VCF-style: chr11-128781178-G-A.
Other names: p.D4N:GAT>AAT; c.10G>A (LRG_333t1); c.10G>A, p.Asp4Asn (NM_001354169.2); short protein forms D4N.
Identifiers: ClinVar variation 190824 (VCV000190824.17), dbSNP rs529755922, ClinGen allele CA302082.

ClinVar aggregate classification (germline): Conflicting classifications of pathogenicity. Review status: criteria provided, conflicting classifications (1 of 4 stars). 4 submissions from 4 submitters: Uncertain significance (1); Benign (1); Likely benign (2). Last evaluated 2025-12-15.

Conditions:
Cardiovascular phenotype. Identifiers: MedGen CN230736.
Long QT syndrome (LQTS). Identifiers: MedGen C0023976, MeSH D008133, MONDO:0002442. Disease mechanism: loss of function. Inheritance: Various modes of inheritance.

Allele frequency attached by ClinVar (database versions not stated): gnomAD 0.00002 and 0.00003; ExAC 0.00003; gnomAD exomes 0.00003 and 0.00007; TOPMed 0.00005; 1000 Genomes Project 30x 0.00016; 1000 Genomes Project 0.00020.
gnomAD v4.1: 45 of 1,613,930 alleles (0.0028%); highest among the groups gnomAD compares: East Asian, 0.053%; no homozygotes.

Submissions (4):

Labcorp Genetics (formerly Invitae), Labcorp
Classification: Likely benign for Long QT syndrome. Last evaluated: 2025-12-15. Review status: criteria provided, single submitter. Criteria: Invitae Variant Classification Sherloc (09022015). Collection method: clinical testing. Allele origin: germline.

Women's Health and Genetics/Laboratory Corporation of America, LabCorp
Classification: Likely benign. Last evaluated: 2025-05-31. Review status: criteria provided, single submitter. Criteria: LabCorp Variant Classification Summary - May 2015. Collection method: clinical testing. Allele origin: germline.
Comment: Variant summary: KCNJ5 c.10G>A (p.Asp4Asn) results in a conservative amino acid change in the encoded protein sequence. Algorithms developed to predict the effect of missense changes on protein structure and function are either unavailable or do not agree on the potential impact of this missense change. The variant allele was found at a frequency of 6.8e-05 in 251152 control chromosomes, predominantly at a frequency of 0.00087 within the East Asian subpopulation in the gnomAD database. The observed variant frequency within East Asian control individuals in the gnomAD database is approximately 139.2 fold of the estimated maximal expected allele frequency for a pathogenic variant in KCNJ5 causing Arrhythmia phenotype (6.3e-06). To our knowledge, no occurrence of c.10G>A in individuals affected with Arrhythmia and no experimental evidence demonstrating its impact on protein function have been reported. ClinVar contains an entry for this variant (Variation ID: 190824). Based on the evidence outlined above, the variant was classified as likely benign.

GeneDx
Classification: Uncertain significance. Last evaluated: 2023-03-02. Review status: criteria provided, single submitter. Criteria: GeneDx Variant Classification Process June 2021. Collection method: clinical testing. Allele origin: germline. Affected: yes.
Comment: Has not been previously published as pathogenic or benign to our knowledge; In silico analysis supports that this missense variant does not alter protein structure/function

Ambry Genetics
Classification: Benign for Cardiovascular phenotype. Last evaluated: 2022-10-14. Review status: criteria provided, single submitter. Criteria: Ambry Variant Classification Scheme 2023. Collection method: clinical testing. Allele origin: germline.